The following is an entry in ClinVar:

ClinVar aggregate classification (germline): Uncertain significance (1 of 4 stars; one submission).

Conditions:
Nemaline myopathy 6 (NEM6). Also called: Nemaline myopathy 6, autosomal dominant. Identifiers: Orphanet 171439, MedGen C1836472, MONDO:0012237, OMIM 609273.

gnomAD v4.1: 1 of 1,611,928 alleles (0.000062%); highest among the groups gnomAD compares: Non-Finnish European, 0.000085%; no homozygotes.

Submission:

Labcorp Genetics (formerly Invitae), Labcorp
Classification: Uncertain significance for Nemaline myopathy 6. Last evaluated: 2021-02-17. Review status: criteria provided, single submitter. Criteria: Invitae Variant Classification Sherloc (09022015). Collection method: clinical testing. Allele origin: germline.
Comment: This sequence change replaces aspartic acid with histidine at codon 370 of the KBTBD13 protein (p.Asp370His). The aspartic acid residue is highly conserved and there is a moderate physicochemical difference between aspartic acid and histidine. This variant is present in population databases (rs779342567, ExAC 0.002%). This variant has not been reported in the literature in individuals with KBTBD13-related conditions. Algorithms developed to predict the effect of missense changes on protein structure and function are either unavailable or do not agree on the potential impact of this missense change (SIFT: "Deleterious"; PolyPhen-2: "Probably Damaging"; Align-GVGD: "Class C0"). In summary, the available evidence is currently insufficient to determine the role of this variant in disease. Therefore, it has been classified as a Variant of Uncertain Significance.

NM_001101362.3(KBTBD13):c.1108G>C (p.Asp370His)

Gene: KBTBD13 (kelch repeat and BTB domain containing 13; plus strand). Cytogenetic location: 15q22.31.
Variant type: single nucleotide variant.
Coding change: c.1108G>C on transcript NM_001101362.3 (MANE Select); coding-DNA position 1108, G replaced by C.
Protein change: p.Asp370His; replaces aspartic acid 370 with histidine.
Molecular consequence: missense variant.
Genome position (GRCh38, 1-based): chr15:65,077,923, G>C. VCF-style: chr15-65077923-G-C. GRCh37 (hg19) VCF-style: chr15-65370261-G-C.
Other names: short protein forms D370H.
Identifiers: ClinVar variation 1469073 (VCV001469073.8), dbSNP rs779342567, ClinGen allele CA7614078.